The following is an entry in ClinVar:

ClinVar aggregate classification (germline): Uncertain significance. Review status: criteria provided, multiple submitters, no conflicts (2 of 4 stars). 2 submissions from 2 submitters: Uncertain significance (2). Last evaluated 2024-01-14.

Conditions:
Currarino triad. Identifiers: Orphanet 1552, MedGen C1531773, MONDO:0008305, OMIM 176450.

Allele frequency attached by ClinVar (database versions not stated): gnomAD 0.00001; TOPMed 0.00001.

Submissions (2):

Fulgent Genetics
Classification: Uncertain significance for Currarino triad. Last evaluated: 2024-01-14. Review status: criteria provided, single submitter. Criteria: ACMG Guidelines, 2015. Collection method: clinical testing. Allele origin: germline.

Labcorp Genetics (formerly Invitae), Labcorp
Classification: Uncertain significance. Last evaluated: 2023-03-25. Review status: criteria provided, single submitter. Criteria: Invitae Variant Classification Sherloc (09022015). Collection method: clinical testing. Allele origin: germline.
Comment: This sequence change replaces glycine, which is neutral and non-polar, with arginine, which is basic and polar, at codon 42 of the MNX1 protein (p.Gly42Arg). This variant is not present in population databases (gnomAD no frequency). This variant has not been reported in the literature in individuals affected with MNX1-related conditions. Algorithms developed to predict the effect of missense changes on protein structure and function output the following: SIFT: "Not Available"; PolyPhen-2: "Not Available"; Align-GVGD: "Not Available". The arginine amino acid residue is found in multiple mammalian species, which suggests that this missense change does not adversely affect protein function. In summary, the available evidence is currently insufficient to determine the role of this variant in disease. Therefore, it has been classified as a Variant of Uncertain Significance.

NM_005515.4(MNX1):c.124G>C (p.Gly42Arg)

Gene: MNX1 (motor neuron and pancreas homeobox 1; minus strand). Cytogenetic location: 7q36.3.
Variant type: single nucleotide variant.
Coding change: c.124G>C on transcript NM_005515.4 (MANE Select); coding-DNA position 124, G replaced by C.
Protein change: p.Gly42Arg; replaces glycine 42 with arginine.
Molecular consequence: missense variant.
Genome position (GRCh38, 1-based): chr7:157,010,227, C>G on the plus strand (G>C on the coding strand, the complement: MNX1 is on the minus strand). VCF-style: chr7-157010227-C-G. GRCh37 (hg19) VCF-style: chr7-156802921-C-G.
Other names: short protein forms G42R.
Identifiers: ClinVar variation 2849320 (VCV002849320.4), dbSNP rs1249063712, ClinGen allele CA370165204.